The following is an entry in ClinVar:

NM_201384.3(PLEC):c.11140C>T (p.Leu3714=)

Gene: PLEC (plectin; minus strand). Cytogenetic location: 8q24.3.
Variant type: single nucleotide variant.
Coding change: c.11140C>T on transcript NM_201384.3 (MANE Select); coding-DNA position 11140, C replaced by T.
Protein change: p.Leu3714=; no amino-acid change (leucine 3714 retained).
Molecular consequence: synonymous variant.
Genome position (GRCh38, 1-based): chr8:143,918,681, G>A on the plus strand (C>T on the coding strand, the complement: PLEC is on the minus strand). VCF-style: chr8-143918681-G-A. GRCh37 (hg19) VCF-style: chr8-144992849-G-A.
Other names: c.11221C>T, p.Leu3741= (NM_000445.5); c.11098C>T, p.Leu3700= (NM_201378.4); c.11074C>T, p.Leu3692= (NM_201379.3); c.11551C>T, p.Leu3851= (NM_201380.4); c.11044C>T, p.Leu3682= (NM_201381.3); c.11140C>T, p.Leu3714= (NM_201382.4); c.11152C>T, p.Leu3718= (NM_201383.3).
Identifiers: ClinVar variation 390665 (VCV000390665.3), dbSNP rs782635357, ClinGen allele CA4924425.
Genomic context (GRCh38, chr8:143,918,681, plus strand): 5'-GCAGGAAGCCTGTGGCTGCCTGTGCCTCCAGCAGCAGGCGGGCCACCTCGGCACTCAGCA[G>A]CCCTTTCTTGAGAGCCTGGTAGATGCTCAGTGTCTGCCTGGAACCGGGCAGGTAGACACC-3'
Protein context (NP_958786.1, residues 3704-3724): LSIYQALKKG[Leu3714=]LSAEVARLLL

ClinVar aggregate classification (germline): Likely benign. Review status: criteria provided, multiple submitters, no conflicts (2 of 4 stars). 2 submissions from 2 submitters: Likely benign (2). Last evaluated 2024-10-16.

Conditions:
Epidermolysis bullosa simplex with nail dystrophy (EBS5D). Identifiers: MedGen C4225309, MONDO:0014661, OMIM 616487.
Epidermolysis bullosa simplex 5B, with muscular dystrophy (EBS5B). Also called: EPIDERMOLYSIS BULLOSA SIMPLEX AND LIMB-GIRDLE MUSCULAR DYSTROPHY; Epidermolysis bullosa simplex with muscular dystrophy. Identifiers: Orphanet 257, MedGen C2931072, MONDO:0009181, OMIM 226670.
Epidermolysis bullosa simplex, Ogna type (EBS5A). Also called: Pidermolysis bullosa simplex 5A, Ogna type; EPIDERMOLYSIS BULLOSA SIMPLEX 5A, OGNA TYPE. Identifiers: Orphanet 79401, MedGen C0432317, MONDO:0007555, OMIM 131950.
Autosomal recessive limb-girdle muscular dystrophy type 2Q (LGMDR17). Also called: MUSCULAR DYSTROPHY, LIMB-GIRDLE, AUTOSOMAL RECESSIVE 17. Identifiers: Orphanet 254361, MedGen C3150989, MONDO:0013390, OMIM 613723.
Epidermolysis bullosa simplex 5C, with pyloric atresia (EBS5C). Also called: PLEC-Related Epidermolysis Bullosa with Pyloric Atresia; Epidermolysis bullosa simplex with pyloric atresia; PLEC1-Related Epidermolysis Bullosa with Pyloric Atresia. Identifiers: Orphanet 158684, MedGen C2677349, MONDO:0012807, OMIM 612138.

Allele frequency attached by ClinVar (database versions not stated): gnomAD 0.00002 and 0.00003; gnomAD exomes 0.00002 and 0.00006; TOPMed 0.00002; ExAC 0.00007.
gnomAD v4.1: 35 of 1,612,802 alleles (0.0022%); highest among the groups gnomAD compares: Admixed American, 0.023%; no homozygotes.

Submissions (2):

Labcorp Genetics (formerly Invitae), Labcorp
Classification: Likely benign for Autosomal recessive limb-girdle muscular dystrophy type 2Q; Epidermolysis bullosa simplex, Ogna type; Epidermolysis bullosa simplex with nail dystrophy; Epidermolysis bullosa simplex 5C, with pyloric atresia; Epidermolysis bullosa simplex 5B, with muscular dystrophy. Last evaluated: 2024-10-16. Review status: criteria provided, single submitter. Criteria: Invitae Variant Classification Sherloc (09022015). Collection method: clinical testing. Allele origin: germline.

GeneDx
Classification: Likely benign. Last evaluated: 2016-11-15. Review status: criteria provided, single submitter. Criteria: GeneDx Variant Classification (06012015). Collection method: clinical testing. Allele origin: germline. Affected: yes.
Comment: This variant is considered likely benign or benign based on one or more of the following criteria: it is a conservative change, it occurs at a poorly conserved position in the protein, it is predicted to be benign by multiple in silico algorithms, and/or has population frequency not consistent with disease.